The following is an entry in ClinVar:

ClinVar aggregate classification (germline): Uncertain significance. Review status: criteria provided, multiple submitters, no conflicts (2 of 4 stars). 2 submissions from 2 submitters: Uncertain significance (2). Last evaluated 2026-09-11.

Conditions:
Tuberous sclerosis 1 (TSC1). Identifiers: Orphanet 805, MedGen C1854465, MONDO:0008612, OMIM 191100.
Hereditary cancer-predisposing syndrome. Also called: Tumor predisposition; Hereditary Cancer Syndrome; Hereditary neoplastic syndrome; Neoplastic Syndromes, Hereditary. Identifiers: Orphanet 140162, MedGen C0027672, MeSH D009386, MONDO:0015356.

Allele frequency attached by ClinVar (database versions not stated): gnomAD exomes below 0.00001.
gnomAD v4.1: 3 of 1,613,432 alleles (0.00019%); highest among the groups gnomAD compares: Non-Finnish European, 0.00025%; no homozygotes.

Submissions (2):

Ambry Genetics
Classification: Uncertain significance for Hereditary cancer-predisposing syndrome. Last evaluated: 2026-09-11. Review status: criteria provided, single submitter. Criteria: Ambry Variant Classification Scheme 2023. Collection method: clinical testing. Allele origin: germline.
Comment: The p.Q711K variant (also known as c.2131C>A), located in coding exon 15 of the TSC1 gene, results from a C to A substitution at nucleotide position 2131. The glutamine at codon 711 is replaced by lysine, an amino acid with similar properties. This amino acid position is conserved. In addition, this alteration is predicted to be deleterious by in silico analysis. Based on the available evidence, the clinical significance of this variant remains unclear.

Labcorp Genetics (formerly Invitae), Labcorp
Classification: Uncertain significance for Tuberous sclerosis 1. Last evaluated: 2022-07-21. Review status: criteria provided, single submitter. Criteria: Invitae Variant Classification Sherloc (09022015). Collection method: clinical testing. Allele origin: germline.
Comment: This variant is not present in population databases (gnomAD no frequency). In summary, the available evidence is currently insufficient to determine the role of this variant in disease. Therefore, it has been classified as a Variant of Uncertain Significance. Algorithms developed to predict the effect of missense changes on protein structure and function are either unavailable or do not agree on the potential impact of this missense change (SIFT: "Tolerated"; PolyPhen-2: "Probably Damaging"; Align-GVGD: "Class C0"). ClinVar contains an entry for this variant (Variation ID: 1051567). This variant has not been reported in the literature in individuals affected with TSC1-related conditions. This sequence change replaces glutamine, which is neutral and polar, with lysine, which is basic and polar, at codon 711 of the TSC1 protein (p.Gln711Lys).

NM_000368.5(TSC1):c.2131C>A (p.Gln711Lys)

Gene: TSC1 (TSC complex subunit 1; minus strand). Cytogenetic location: 9q34.13.
Variant type: single nucleotide variant.
Coding change: c.2131C>A on transcript NM_000368.5 (MANE Select); coding-DNA position 2131, C replaced by A.
Protein change: p.Gln711Lys; replaces glutamine 711 with lysine.
Molecular consequence: missense variant.
Genome position (GRCh38, 1-based): chr9:132,903,728, G>T on the plus strand (C>A on the coding strand, the complement: TSC1 is on the minus strand). VCF-style: chr9-132903728-G-T. GRCh37 (hg19) VCF-style: chr9-135779115-G-T.
Other names: c.2128C>A, p.Gln710Lys (NM_001162426.2); c.1978C>A, p.Gln660Lys (NM_001162427.2); c.1768C>A, p.Gln590Lys (NM_001362177.2); short protein forms Q590K, Q660K, Q710K, Q711K.
Identifiers: ClinVar variation 1051567 (VCV001051567.12), dbSNP rs118203647, ClinGen allele CA375360981.
Genomic context (GRCh38, chr9:132,903,728, plus strand): 5'-CCTCCAGAGCTGCTGCTTTGATCACCTTGCGGAGGAGCCGCCTGTTCCGGAGGGCATGCT[G>T]CTGCCTCTTAAAACGCTCATAGAGTAACTGGTTGTGCAGTAAAAGCAACTGGTCTCGGAG-3'
Protein context (NP_000359.1, residues 701-721): QLLYERFKRQ[Gln711Lys]HALRNRRLLR